The following is an entry in ClinVar:

NM_000535.7(PMS2):c.2094G>T (p.Val698=)

Gene: PMS2 (PMS1 homolog 2, mismatch repair system component; minus strand). Cytogenetic location: 7p22.1.
Variant type: single nucleotide variant.
Coding change: c.2094G>T on transcript NM_000535.7 (MANE Select); coding-DNA position 2094, G replaced by T.
Protein change: p.Val698=; no amino-acid change (valine 698 retained).
Molecular consequence: synonymous variant. On other transcripts: non-coding transcript variant (1).
Genome position (GRCh38, 1-based): chr7:5,982,904, C>A on the plus strand (G>T on the coding strand, the complement: PMS2 is on the minus strand). VCF-style: chr7-5982904-C-A. GRCh37 (hg19) VCF-style: chr7-6022535-C-A.
Other names: c.1689G>T, p.Val563= (NM_001322003.2, NM_001322004.2, NM_001322005.2 and 1 more transcripts); c.1938G>T, p.Val646= (NM_001322006.2); c.1776G>T, p.Val592= (NM_001322007.2, NM_001322008.2); c.1533G>T, p.Val511= (NM_001322010.2); c.1161G>T, p.Val387= (NM_001322011.2, NM_001322012.2); c.1521G>T, p.Val507= (NM_001322013.2); c.2094G>T, p.Val698= (NM_001322014.2); c.1785G>T, p.Val595= (NM_001322015.2).
Identifiers: ClinVar variation 792409 (VCV000792409.12), dbSNP rs1583298969, ClinGen allele CA453643318.

ClinVar aggregate classification (germline): Benign/Likely benign. Review status: criteria provided, multiple submitters, no conflicts (2 of 4 stars). 3 submissions from 3 submitters: Benign (1); Likely benign (2). Last evaluated 2025-02-03.

Conditions:
Lynch syndrome 4 (LYNCH4). Also called: Colorectal cancer, hereditary nonpolyposis, type 4; Hereditary non-polyposis colorectal cancer, type 4. Identifiers: Orphanet 144, MedGen C1838333, MONDO:0013699, OMIM 614337. Disease mechanism: loss of function.
Hereditary nonpolyposis colorectal neoplasms. Identifiers: MedGen C0009405, MeSH D003123.
Hereditary cancer-predisposing syndrome. Also called: Tumor predisposition; Hereditary neoplastic syndrome; Hereditary Cancer Syndrome; Neoplastic Syndromes, Hereditary. Identifiers: Orphanet 140162, MedGen C0027672, MeSH D009386, MONDO:0015356.

Submissions (3):

Myriad Genetics, Inc.
Classification: Benign for Lynch syndrome 4. Last evaluated: 2025-02-03. Review status: criteria provided, single submitter. Criteria: Myriad Autosomal Dominant, Autosomal Recessive and X-Linked Classification Criteria (2023). Collection method: clinical testing. Allele origin: unknown.
Comment: This variant is considered benign. This variant is a silent/synonymous amino acid change and it is not expected to impact splicing.

Labcorp Genetics (formerly Invitae), Labcorp
Classification: Likely benign for Hereditary nonpolyposis colorectal neoplasms. Last evaluated: 2024-09-11. Review status: criteria provided, single submitter. Criteria: Invitae Variant Classification Sherloc (09022015). Collection method: clinical testing. Allele origin: germline.

Ambry Genetics
Classification: Likely benign for Hereditary cancer-predisposing syndrome. Last evaluated: 2020-02-14. Review status: criteria provided, single submitter. Criteria: Ambry Variant Classification Scheme 2023. Collection method: clinical testing. Allele origin: germline.